The following is an entry in ClinVar:

ClinVar aggregate classification (germline): Likely benign. Review status: criteria provided, multiple submitters, no conflicts (2 of 4 stars). 3 submissions from 3 submitters: Likely benign (2). 1 of the submissions does not count toward it. Last evaluated 2024-11-05.

Conditions:
CFAP418-related disorder. Also called: CFAP418-related condition.

Allele frequency attached by ClinVar (database versions not stated): TOPMed 0.00001; gnomAD exomes 0.00002; gnomAD 0.00003.

Submissions (3):

Labcorp Genetics (formerly Invitae), Labcorp
Classification: Likely benign. Last evaluated: 2024-11-05. Review status: criteria provided, single submitter. Criteria: Invitae Variant Classification Sherloc (09022015). Collection method: clinical testing. Allele origin: germline.

Blueprint Genetics
Classification: Likely benign. Last evaluated: 2022-05-26. Review status: criteria provided, single submitter. Criteria: ACMG Guidelines, 2015. Collection method: clinical testing. Allele origin: germline.

PreventionGenetics, part of Exact Sciences
Classification: Likely benign for CFAP418-related condition. Last evaluated: 2020-10-30. Review status: no assertion criteria provided. Collection method: clinical testing. Allele origin: germline. Not counted in ClinVar's aggregate classification.
Comment: This variant is classified as likely benign based on ACMG/AMP sequence variant interpretation guidelines (Richards et al. 2015 PMID: 25741868, with internal and published modifications).

NM_177965.4(CFAP418):c.375-10del

Gene: CFAP418 (cilia and flagella associated protein 418; minus strand). Cytogenetic location: 8q22.1.
Variant type: Deletion.
Coding change: c.375-10del on transcript NM_177965.4 (MANE Select); 10 bases into the intron before coding-DNA position 375, one base deleted (C; older notation c.375-10delC).
Molecular consequence: intron variant.
Genome position (GRCh38, 1-based): chr8:95,252,293, G deleted on the plus strand (C on the coding strand, the reverse complement: CFAP418 is on the minus strand). VCF-style (leftmost placement, unchanged base first): chr8-95252292-AG-A. GRCh37 (hg19) VCF-style: chr8-96264520-AG-A.
Other names: c.375-4523del (NM_001363260.1); c.375-10delC (NM_177965.3).
Identifiers: ClinVar variation 1129665 (VCV001129665.11), dbSNP rs1268091229, ClinGen allele CA583718752.